The following is an entry in ClinVar:

NM_000038.6(APC):c.1243G>T (p.Ala415Ser)

Gene: APC (APC regulator of Wnt signaling pathway; plus strand). Cytogenetic location: 5q22.2.
Variant type: single nucleotide variant.
Coding change: c.1243G>T on transcript NM_000038.6 (MANE Select); coding-DNA position 1243, G replaced by T.
Protein change: p.Ala415Ser; replaces alanine 415 with serine.
Molecular consequence: missense variant. On other transcripts: non-coding transcript variant (2).
Genome position (GRCh38, 1-based): chr5:112,819,275, G>T. VCF-style: chr5-112819275-G-T. GRCh37 (hg19) VCF-style: chr5-112154972-G-T.
Other names: c.1243G>T, p.Ala415Ser (NM_001127510.3, NM_001354895.2, NM_001354896.2 and 4 more transcripts); c.1189G>T, p.Ala397Ser (NM_001127511.3); c.1273G>T, p.Ala425Ser (NM_001354897.2, NM_001407446.1); c.1168G>T, p.Ala390Ser (NM_001354898.2, NM_001407451.1); c.1159G>T, p.Ala387Ser (NM_001354899.2, NM_001407452.1); c.1066G>T, p.Ala356Ser (NM_001354900.2, NM_001354901.2, NM_001407453.1); c.970G>T, p.Ala324Ser (NM_001354902.2); c.940G>T, p.Ala314Ser (NM_001354903.2, NM_001407454.1, NM_001407455.1 and 5 more transcripts); and 5 more; short protein forms A255S, A356S, A390S, A289S, A31S, A324S, A397S, A286S.
Identifiers: ClinVar variation 3408771 (VCV003408771.1).

ClinVar aggregate classification (germline): Uncertain significance (1 of 4 stars; one submission).

Conditions:
Hereditary cancer-predisposing syndrome. Also called: Neoplastic Syndromes, Hereditary; Tumor predisposition; Hereditary Cancer Syndrome; Hereditary neoplastic syndrome. Identifiers: Orphanet 140162, MedGen C0027672, MeSH D009386, MONDO:0015356.

Submission:

Ambry Genetics
Classification: Uncertain significance for Hereditary cancer-predisposing syndrome. Last evaluated: 2024-11-28. Review status: criteria provided, single submitter. Criteria: Ambry Variant Classification Scheme 2023. Collection method: clinical testing. Allele origin: germline.
Comment: The p.A415S variant (also known as c.1243G>T), located in coding exon 9 of the APC gene, results from a G to T substitution at nucleotide position 1243. The alanine at codon 415 is replaced by serine, an amino acid with similar properties. This amino acid position is conserved. In addition, in silico predictors for this gene do not accurately predict pathogenicity. Based on the available evidence, the clinical significance of this variant remains unclear.